The following is an entry in ClinVar:

NM_000384.3(APOB):c.7241A>T (p.Glu2414Val)

Gene: APOB (apolipoprotein B; minus strand). Cytogenetic location: 2p24.1.
Variant type: single nucleotide variant.
Coding change: c.7241A>T on transcript NM_000384.3 (MANE Select); coding-DNA position 7241, A replaced by T.
Protein change: p.Glu2414Val; replaces glutamic acid 2414 with valine.
Molecular consequence: missense variant.
Genome position (GRCh38, 1-based): chr2:21,009,627, T>A on the plus strand (A>T on the coding strand, the complement: APOB is on the minus strand). VCF-style: chr2-21009627-T-A. GRCh37 (hg19) VCF-style: chr2-21232499-T-A.
Other names: short protein forms E2414V.
Identifiers: ClinVar variation 925408 (VCV000925408.16), dbSNP rs200759464, ClinGen allele CA064231.

ClinVar aggregate classification (germline): Conflicting classifications of pathogenicity. Review status: criteria provided, conflicting classifications (1 of 4 stars). 2 submissions from 2 submitters: Uncertain significance (1); Likely benign (1). Last evaluated 2025-06-09.

Conditions:
Familial hypobetalipoproteinemia 1. Also called: Hypobetalipoproteinemia, normotriglyceridemic; Acanthocytosis with hypobetalipoproteinemia; APOB-Related Familial Hypobetalipoproteinemia. Identifiers: MedGen C4551990, MONDO:0014252, OMIM 615558.
Hypercholesterolemia, autosomal dominant, type B (FHCL2). Also called: Familial Hypercholesterolemia Type B; HYPERCHOLESTEROLEMIA, FAMILIAL, DUE TO LIGAND-DEFECTIVE APOLIPOPROTEIN B; Familial hypercholesterolemia 2; APOB-Related Familial Hypercholesterolemia, Autosomal Dominant; APOLIPOPROTEIN B-100, FAMILIAL DEFECTIVE; APOLIPOPROTEIN B-100, FAMILIAL LIGAND-DEFECTIVE. Identifiers: MedGen C1704417, MONDO:0007751, OMIM 144010.

Allele frequency attached by ClinVar (database versions not stated): gnomAD below 0.00001 and 0.00001; TOPMed below 0.00001; ExAC 0.00001; gnomAD exomes 0.00001 and 0.00002; 1000 Genomes Project 30x 0.00016; 1000 Genomes Project 0.00020.
gnomAD v4.1: 12 of 1,613,858 alleles (0.00074%); highest among the groups gnomAD compares: South Asian, 0.0077%; no homozygotes.

Submissions (2):

Labcorp Genetics (formerly Invitae), Labcorp
Classification: Likely benign for Familial hypobetalipoproteinemia 1; Hypercholesterolemia, autosomal dominant, type B. Last evaluated: 2025-06-09. Review status: criteria provided, single submitter. Criteria: Invitae Variant Classification Sherloc (09022015). Collection method: clinical testing. Allele origin: germline.

GeneDx
Classification: Uncertain significance. Last evaluated: 2025-05-14. Review status: criteria provided, single submitter. Criteria: GeneDx Variant Classification Process June 2021. Collection method: clinical testing. Allele origin: germline. Affected: yes.
Comment: Not observed at significant frequency in large population cohorts (gnomAD); In silico analysis supports that this missense variant has a deleterious effect on protein structure/function; Observed in an individual with a suspected diagnosis of FH; however, this patient also harbored variants in other clinically relevant genes (PMID: 40225943); This variant is associated with the following publications: (PMID: 40225943)